The following is an entry in ClinVar:

ClinVar aggregate classification (germline): Uncertain significance (1 of 4 stars; one submission).

Conditions:
PI4KB-related disorder. Also called: PI4KB-related condition.

gnomAD v4.1: 115 of 1,613,750 alleles (0.0071%); highest among the groups gnomAD compares: Non-Finnish European, 0.0092%; no homozygotes.

Submission:

PreventionGenetics, part of Exact Sciences
Classification: Uncertain significance for PI4KB-related condition. Last evaluated: 2026-06-17. Review status: criteria provided, single submitter. Criteria: ACMG Guidelines, 2015. Collection method: clinical testing. Allele origin: germline.
Comment: The PI4KB c.833C>T variant is predicted to result in the amino acid substitution p.Ser278Phe. To our knowledge, this variant has not been reported in the literature. This variant is reported in 0.0080% of alleles in individuals of African descent in gnomAD. At this time, the clinical significance of this variant is uncertain due to the absence of conclusive functional and genetic evidence.

NM_001369623.2(PI4KB):c.797C>T (p.Ser266Phe)

Gene: PI4KB (phosphatidylinositol 4-kinase beta; minus strand). Cytogenetic location: 1q21.3.
Variant type: single nucleotide variant.
Coding change: c.797C>T on transcript NM_001369623.2 (MANE Select); coding-DNA position 797, C replaced by T.
Protein change: p.Ser266Phe; replaces serine 266 with phenylalanine.
Molecular consequence: missense variant. On other transcripts: intron variant (1).
Genome position (GRCh38, 1-based): chr1:151,315,685, G>A on the plus strand (C>T on the coding strand, the complement: PI4KB is on the minus strand). VCF-style: chr1-151315685-G-A. GRCh37 (hg19) VCF-style: chr1-151288161-G-A.
Other names: c.797C>T, p.Ser266Phe (NM_001198773.3, NM_001198774.2, NM_001330721.2 and 3 more transcripts); c.833C>T, p.Ser278Phe (NM_001369625.1, NM_001369628.1, NM_002651.4); c.-42-7884C>T (NM_001198775.3); short protein forms S266F, S278F.
Identifiers: ClinVar variation 4979542 (VCV004979542.1).